The following is an entry in ClinVar:

ClinVar aggregate classification (germline): Uncertain significance (1 of 4 stars; one submission).

Conditions:
Arrhythmogenic right ventricular dysplasia 11. Also called: Arrhythmogenic Right Ventricular Dysplasia/Cardiomyopathy11; ARRHYTHMOGENIC RIGHT VENTRICULAR DYSPLASIA, FAMILIAL, 11; Arrhythmogenic right ventricular dysplasia 11 with mild palmoplantar keratoderma and woolly hair. Identifiers: MedGen C1864850, MONDO:0012506, OMIM 610476.

Submission:

Labcorp Genetics (formerly Invitae), Labcorp
Classification: Uncertain significance for Arrhythmogenic right ventricular dysplasia 11. Last evaluated: 2022-01-15. Review status: criteria provided, single submitter. Criteria: Invitae Variant Classification Sherloc (09022015). Collection method: clinical testing. Allele origin: germline.
Comment: In summary, the available evidence is currently insufficient to determine the role of this variant in disease. Therefore, it has been classified as a Variant of Uncertain Significance. Algorithms developed to predict the effect of missense changes on protein structure and function (SIFT, PolyPhen-2, Align-GVGD) all suggest that this variant is likely to be tolerated. This variant has not been reported in the literature in individuals affected with DSC2-related conditions. This variant is not present in population databases (gnomAD no frequency). This sequence change replaces proline, which is neutral and non-polar, with leucine, which is neutral and non-polar, at codon 290 of the DSC2 protein (p.Pro290Leu).

NM_024422.6(DSC2):c.869C>T (p.Pro290Leu)

Gene: DSC2 (desmocollin 2; minus strand). Cytogenetic location: 18q12.1.
Variant type: single nucleotide variant.
Coding change: c.869C>T on transcript NM_024422.6 (MANE Select); coding-DNA position 869, C replaced by T.
Protein change: p.Pro290Leu; replaces proline 290 with leucine.
Molecular consequence: missense variant.
Genome position (GRCh38, 1-based): chr18:31,086,649, G>A on the plus strand (C>T on the coding strand, the complement: DSC2 is on the minus strand). VCF-style: chr18-31086649-G-A. GRCh37 (hg19) VCF-style: chr18-28666612-G-A.
Other names: c.440C>T, p.Pro147Leu (NM_001406506.1, NM_001406507.1); c.869C>T, p.Pro290Leu (NM_004949.5); short protein forms P290L, P147L.
Identifiers: ClinVar variation 2039894 (VCV002039894.4), dbSNP rs753579789, ClinGen allele CA402112068.